The following is an entry in ClinVar:

ClinVar aggregate classification (germline): Uncertain significance (1 of 4 stars; one submission).

Submission:

Labcorp Genetics (formerly Invitae), Labcorp
Classification: Uncertain significance. Last evaluated: 2022-02-21. Review status: criteria provided, single submitter. Criteria: Invitae Variant Classification Sherloc (09022015). Collection method: clinical testing. Allele origin: germline.
Comment: This sequence change replaces asparagine, which is neutral and polar, with serine, which is neutral and polar, at codon 993 of the ITGAM protein (p.Asn993Ser). This variant is not present in population databases (gnomAD no frequency). This variant has not been reported in the literature in individuals affected with ITGAM-related conditions. Algorithms developed to predict the effect of missense changes on protein structure and function output the following: SIFT: "Deleterious"; PolyPhen-2: "Benign"; Align-GVGD: "Class C45". The serine amino acid residue is found in multiple mammalian species, which suggests that this missense change does not adversely affect protein function. In summary, the available evidence is currently insufficient to determine the role of this variant in disease. Therefore, it has been classified as a Variant of Uncertain Significance.

NM_000632.4(ITGAM):c.2978A>G (p.Asn993Ser)

Gene: ITGAM (integrin subunit alpha M; plus strand). Cytogenetic location: 16p11.2.
Variant type: single nucleotide variant.
Coding change: c.2978A>G on transcript NM_000632.4 (MANE Select); coding-DNA position 2978, A replaced by G.
Protein change: p.Asn993Ser; replaces asparagine 993 with serine.
Molecular consequence: missense variant.
Genome position (GRCh38, 1-based): chr16:31,330,082, A>G. VCF-style: chr16-31330082-A-G. GRCh37 (hg19) VCF-style: chr16-31341403-A-G.
Other names: c.2981A>G, p.Asn994Ser (NM_001145808.2); short protein forms N993S, N994S.
Identifiers: ClinVar variation 2101322 (VCV002101322.4), dbSNP rs1262100829, ClinGen allele CA395700138.